The following is an entry in ClinVar:

NM_001171.6(ABCC6):c.3977A>G (p.Asp1326Gly)

Gene: ABCC6 (ATP binding cassette subfamily C member 6; minus strand). Cytogenetic location: 16p13.11.
Variant type: single nucleotide variant.
Coding change: c.3977A>G on transcript NM_001171.6 (MANE Select); coding-DNA position 3977, A replaced by G.
Protein change: p.Asp1326Gly; replaces aspartic acid 1326 with glycine.
Molecular consequence: missense variant. On other transcripts: non-coding transcript variant (1).
Genome position (GRCh38, 1-based): chr16:16,154,937, T>C on the plus strand (A>G on the coding strand, the complement: ABCC6 is on the minus strand). VCF-style: chr16-16154937-T-C. GRCh37 (hg19) VCF-style: chr16-16248794-T-C.
Other names: c.3635A>G, p.Asp1212Gly (NM_001351800.1); short protein forms D1212G, D1326G.
Identifiers: ClinVar variation 1515569 (VCV001515569.4), dbSNP rs929166866, ClinGen allele CA278625481.
Genomic context (GRCh38, chr16:16,154,937, plus strand): 5'-GGGATGATGCTGATCCTGGAGCGCAGTGTGTGCAGCCCCACGTGGGCAATGGGGACCCCG[T>C]CGATCCAGATCCCACCCTCAGCTGCCTCCTGGAGCCGCAGCAGCCCACTGGCCAGGGAGG-3'
Protein context (NP_001162.5, residues 1316-1336): QEAAEGGIWI[Asp1326Gly]GVPIAHVGLH

ClinVar aggregate classification (germline): Uncertain significance. Review status: criteria provided, multiple submitters, no conflicts (2 of 4 stars). 2 submissions from 2 submitters: Uncertain significance (2). Last evaluated 2022-01-10.

Conditions:
Arterial calcification, generalized, of infancy, 2. Identifiers: Orphanet 51608, MedGen C3276161, MONDO:0013768, OMIM 614473.
Autosomal recessive inherited pseudoxanthoma elasticum (PXE). Identifiers: Orphanet 758, MedGen CN032334, MONDO:0009925, OMIM 264800.
Pseudoxanthoma elasticum, forme fruste. Also called: Pseudoxanthoma Elasticum, Incomplete; PSEUDOXANTHOMA ELASTICUM, HETEROZYGOUS. Identifiers: Orphanet 758, MedGen C1867450, MONDO:0008333, OMIM 177850.

Allele frequency attached by ClinVar (database versions not stated): gnomAD exomes 0.00001; TOPMed 0.00001; gnomAD 0.00001.
gnomAD v4.1: 5 of 1,598,418 alleles (0.00031%); highest among the groups gnomAD compares: Non-Finnish European, 0.00043%; no homozygotes.

Submissions (2):

Fulgent Genetics
Classification: Uncertain significance for Pseudoxanthoma elasticum, forme fruste; Autosomal recessive inherited pseudoxanthoma elasticum; Arterial calcification, generalized, of infancy, 2. Last evaluated: 2022-01-10. Review status: criteria provided, single submitter. Criteria: ACMG Guidelines, 2015. Collection method: clinical testing. Allele origin: unknown.

Labcorp Genetics (formerly Invitae), Labcorp
Classification: Uncertain significance. Last evaluated: 2021-11-14. Review status: criteria provided, single submitter. Criteria: Invitae Variant Classification Sherloc (09022015). Collection method: clinical testing. Allele origin: germline.
Comment: This sequence change replaces aspartic acid, which is acidic and polar, with glycine, which is neutral and non-polar, at codon 1326 of the ABCC6 protein (p.Asp1326Gly). This variant is present in population databases (no rsID available, gnomAD 0.01%). This variant has not been reported in the literature in individuals affected with ABCC6-related conditions. Advanced modeling of protein sequence and biophysical properties (such as structural, functional, and spatial information, amino acid conservation, physicochemical variation, residue mobility, and thermodynamic stability) performed at Invitae indicates that this missense variant is expected to disrupt ABCC6 protein function. In summary, the available evidence is currently insufficient to determine the role of this variant in disease. Therefore, it has been classified as a Variant of Uncertain Significance.